The following is an entry in ClinVar:

NM_000038.6(APC):c.1959-6T>C

Gene: APC (APC regulator of Wnt signaling pathway; plus strand). Cytogenetic location: 5q22.2.
Variant type: single nucleotide variant.
Coding change: c.1959-6T>C on transcript NM_000038.6 (MANE Select); 6 bases into the intron before coding-DNA position 1959, T replaced by C.
Molecular consequence: intron variant.
Genome position (GRCh38, 1-based): chr5:112,837,547, T>C. VCF-style: chr5-112837547-T-C. GRCh37 (hg19) VCF-style: chr5-112173244-T-C.
Other names: c.1110-6T>C (NM_001407470.1, NM_001354906.2); c.807-6T>C (NM_001407472.1, NM_001407471.1); c.2013-6T>C (NM_001407447.1, NM_001407448.1, NM_001407449.1 and 1 more transcripts); c.1959-6T>C (NM_001354895.2, NM_001407450.1, NM_001127510.3); c.1710-6T>C (NM_001407456.1, NM_001407457.1, NM_001407455.1 and 1 more transcripts); c.1656-6T>C (NM_001407460.1, NM_001407458.1, NM_001407459.1 and 1 more transcripts); c.1929-6T>C (NM_001407452.1); c.1572-6T>C (NM_001407469.1, NM_001407467.1); and 11 more.
Identifiers: ClinVar variation 3148034 (VCV003148034.3), dbSNP rs2149857465, ClinGen allele CA2825001367.

ClinVar aggregate classification (germline): Conflicting classifications of pathogenicity. Review status: criteria provided, conflicting classifications (1 of 4 stars). 2 submissions from 2 submitters: Uncertain significance (1); Likely benign (1). Last evaluated 2024-06-05.

Conditions:
Familial adenomatous polyposis 1 (FAP1). Also called: POLYPOSIS, ADENOMATOUS INTESTINAL; FAMILIAL ADENOMATOUS POLYPOSIS 1, ATTENUATED. Identifiers: MedGen C2713442, MONDO:0021056, OMIM 175100. Disease mechanism: loss of function.

Submissions (2):

Labcorp Genetics (formerly Invitae), Labcorp
Classification: Uncertain significance for Familial adenomatous polyposis 1. Last evaluated: 2024-06-05. Review status: criteria provided, single submitter. Criteria: Invitae Variant Classification Sherloc (09022015). Collection method: clinical testing. Allele origin: germline.
Comment: This sequence change falls in intron 15 of the APC gene. It does not directly change the encoded amino acid sequence of the APC protein. This variant is not present in population databases (gnomAD no frequency). This variant has not been reported in the literature in individuals affected with APC-related conditions. Algorithms developed to predict the effect of sequence changes on RNA splicing suggest that this variant may disrupt the consensus splice site. In summary, the available evidence is currently insufficient to determine the role of this variant in disease. Therefore, it has been classified as a Variant of Uncertain Significance.

Myriad Genetics, Inc.
Classification: Likely benign for Familial adenomatous polyposis 1. Last evaluated: 2024-03-08. Review status: criteria provided, single submitter. Criteria: Myriad Autosomal Dominant, Autosomal Recessive and X-Linked Classification Criteria (2023). Collection method: clinical testing. Allele origin: unknown.
Comment: This variant is considered likely benign. This variant is intronic and is not expected to impact mRNA splicing.